The following is an entry in ClinVar:

ClinVar aggregate classification (germline): Uncertain significance. Review status: criteria provided, multiple submitters, no conflicts (2 of 4 stars). 2 submissions from 2 submitters: Uncertain significance (2). Last evaluated 2025-05-19.

Conditions:
RYR1-related disorder. Also called: RYR1-related condition; RYR1-related disorders. Identifiers: MedGen CN239331.

Submissions (2):

Labcorp Genetics (formerly Invitae), Labcorp
Classification: Uncertain significance for RYR1-related disorder. Last evaluated: 2025-05-19. Review status: criteria provided, single submitter. Criteria: Invitae Variant Classification Sherloc (09022015). Collection method: clinical testing. Allele origin: germline.
Comment: This sequence change replaces leucine, which is neutral and non-polar, with arginine, which is basic and polar, at codon 4568 of the RYR1 protein (p.Leu4568Arg). This variant is not present in population databases (gnomAD no frequency). This missense change has been observed in individual(s) with central core disease and/or RYR1-related conditions (PMID: 32236737; internal data). ClinVar contains an entry for this variant (Variation ID: 478188). Invitae Evidence Modeling of protein sequence and biophysical properties (such as structural, functional, and spatial information, amino acid conservation, physicochemical variation, residue mobility, and thermodynamic stability) has been performed for this missense variant. However, the output from this modeling did not meet the statistical confidence thresholds required to predict the impact of this variant on RYR1 protein function. This variant disrupts the p.Leu4568 amino acid residue in RYR1. Other variant(s) that disrupt this residue have been determined to be pathogenic (PMID: 16621918, 33458582; internal data). This suggests that this residue is clinically significant, and that variants that disrupt this residue are likely to be disease-causing. In summary, the available evidence is currently insufficient to determine the role of this variant in disease. Therefore, it has been classified as a Variant of Uncertain Significance.

PreventionGenetics, part of Exact Sciences
Classification: Uncertain significance. Last evaluated: 2013-10-29. Review status: criteria provided, single submitter. Criteria: ACMG Guidelines, 2015. Collection method: clinical testing. Allele origin: germline.

Literature cited by the submitters: PubMed 32236737 (cited by Labcorp Genetics (formerly Invitae), Labcorp); PubMed 16621918 (cited by Labcorp Genetics (formerly Invitae), Labcorp); PubMed 33458582 (cited by Labcorp Genetics (formerly Invitae), Labcorp).

NM_000540.3(RYR1):c.13703T>G (p.Leu4568Arg)

Gene: RYR1 (ryanodine receptor 1; plus strand). Cytogenetic location: 19q13.2.
Variant type: single nucleotide variant.
Coding change: c.13703T>G on transcript NM_000540.3 (MANE Select); coding-DNA position 13703, T replaced by G.
Protein change: p.Leu4568Arg; replaces leucine 4568 with arginine.
Molecular consequence: missense variant.
Genome position (GRCh38, 1-based): chr19:38,570,650, T>G. VCF-style: chr19-38570650-T-G. GRCh37 (hg19) VCF-style: chr19-39061290-T-G.
Other names: c.13688T>G, p.Leu4563Arg (NM_001042723.2); short protein forms L4568R, L4563R.
Identifiers: ClinVar variation 478188 (VCV000478188.9), dbSNP rs118192131, ClinGen allele CA405678840.